The following is an entry in ClinVar:

NM_001378454.1(ALMS1):c.7836G>A (p.Met2612Ile)

Gene: ALMS1 (ALMS1 centrosome and basal body associated protein; plus strand). Cytogenetic location: 2p13.1.
Variant type: single nucleotide variant.
Coding change: c.7836G>A on transcript NM_001378454.1 (MANE Select); coding-DNA position 7836, G replaced by A.
Protein change: p.Met2612Ile; replaces methionine 2612 with isoleucine.
Molecular consequence: missense variant.
Genome position (GRCh38, 1-based): chr2:73,489,795, G>A. VCF-style: chr2-73489795-G-A. GRCh37 (hg19) VCF-style: chr2-73716922-G-A.
Other names: c.7839G>A, p.Met2613Ile (NM_015120.4); short protein forms M2612I, M2613I.
Identifiers: ClinVar variation 2131098 (VCV002131098.5), dbSNP rs1222309951, ClinGen allele CA347265884.
Genomic context (GRCh38, chr2:73,489,795, plus strand): 5'-TGAACATCCACAACTAGATAGACACCCTTGTGCTTTCAGATCTGCTGGACCCTCAGAAAT[G>A]ACCAGAGGACGGCAGAACCCATCATCATGCAGAGCCAAGCATGTCAACCTTTCTGCATCC-3'
Protein context (NP_001365383.1, residues 2602-2622): CAFRSAGPSE[Met2612Ile]TRGRQNPSSC

ClinVar aggregate classification (germline): Uncertain significance. Review status: criteria provided, multiple submitters, no conflicts (2 of 4 stars). 2 submissions from 2 submitters: Uncertain significance (2). Last evaluated 2023-08-19.

Conditions:
Alstrom syndrome (ALMS). Identifiers: Orphanet 64, MedGen C0268425, MONDO:0008763, OMIM 203800.

Allele frequency attached by ClinVar (database versions not stated): gnomAD exomes below 0.00001.
gnomAD v4.1: 5 of 1,614,088 alleles (0.00031%); highest among the groups gnomAD compares: East Asian, 0.0022%; no homozygotes.

Submissions (2):

Women's Health and Genetics/Laboratory Corporation of America, LabCorp
Classification: Uncertain significance. Last evaluated: 2023-08-19. Review status: criteria provided, single submitter. Criteria: LabCorp Variant Classification Summary - May 2015. Collection method: clinical testing. Allele origin: germline.

Labcorp Genetics (formerly Invitae), Labcorp
Classification: Uncertain significance for Alstrom syndrome. Last evaluated: 2022-04-28. Review status: criteria provided, single submitter. Criteria: Invitae Variant Classification Sherloc (09022015). Collection method: clinical testing. Allele origin: germline.
Comment: In summary, the available evidence is currently insufficient to determine the role of this variant in disease. Therefore, it has been classified as a Variant of Uncertain Significance. This sequence change replaces methionine, which is neutral and non-polar, with isoleucine, which is neutral and non-polar, at codon 2613 of the ALMS1 protein (p.Met2613Ile). This variant is present in population databases (no rsID available, gnomAD 0.003%). This variant has not been reported in the literature in individuals affected with ALMS1-related conditions. Experimental studies and prediction algorithms are not available or were not evaluated, and the functional significance of this variant is currently unknown.